The following is an entry in ClinVar:

ClinVar aggregate classification (germline): Likely benign. Review status: criteria provided, multiple submitters, no conflicts (2 of 4 stars). 3 submissions from 3 submitters: Likely benign (3). Last evaluated 2024-11-30.

Conditions:
Cardiomyopathy (CMYO). Also called: Cardiomyopathies. Identifiers: Orphanet 167848, MedGen C0878544, MONDO:0004994, HP:0001638. Inheritance: Various modes of inheritance.
Hypertrophic cardiomyopathy. Also called: HYPERTROPHIC MYOCARDIOPATHY. Identifiers: Orphanet 217569, MedGen C0007194, MeSH D002312, MONDO:0005045, HP:0001639.

Submissions (3):

Labcorp Genetics (formerly Invitae), Labcorp
Classification: Likely benign for Hypertrophic cardiomyopathy. Last evaluated: 2024-11-30. Review status: criteria provided, single submitter. Criteria: Invitae Variant Classification Sherloc (09022015). Collection method: clinical testing. Allele origin: germline.

All of Us Research Program, National Institutes of Health
Classification: Likely benign for Cardiomyopathy. Last evaluated: 2023-11-02. Review status: criteria provided, single submitter. Criteria: ACMG Guidelines, 2015. Collection method: clinical testing. Allele origin: germline. Inheritance: Autosomal dominant inheritance. Observed: 1 variant allele, 1 heterozygote.
Comment: This study involves interpretation of variants in research participants for the purpose of population health screening. Participant phenotype was not available at the time of variant classification. Additional details can be found in publication PMID: 35346344, PMCID: PMC8962531

Color Diagnostics, LLC DBA Color Health
Classification: Likely benign for Cardiomyopathy. Last evaluated: 2023-10-25. Review status: criteria provided, single submitter. Criteria: ACMG Guidelines, 2015. Collection method: clinical testing. Allele origin: germline.

NM_000257.4(MYH7):c.966C>T (p.Ser322=)

Gene: MYH7 (myosin heavy chain 7; minus strand). Cytogenetic location: 14q11.2.
Variant type: single nucleotide variant.
Coding change: c.966C>T on transcript NM_000257.4 (MANE Select); coding-DNA position 966, C replaced by T.
Protein change: p.Ser322=; no amino-acid change (serine 322 retained).
Molecular consequence: synonymous variant.
Genome position (GRCh38, 1-based): chr14:23,430,593, G>A on the plus strand (C>T on the coding strand, the complement: MYH7 is on the minus strand). VCF-style: chr14-23430593-G-A. GRCh37 (hg19) VCF-style: chr14-23899802-G-A.
Other names: c.966C>T, p.Ser322= (NM_001407004.1).
Identifiers: ClinVar variation 3074334 (VCV003074334.4), dbSNP rs2502308587, ClinGen allele CA485626059.